The following is an entry in ClinVar:

ClinVar aggregate classification (germline): Uncertain significance (1 of 4 stars; one submission).

Conditions:
Peutz-Jeghers syndrome (PJS). Also called: POLYPOSIS, HAMARTOMATOUS INTESTINAL; POLYPS-AND-SPOTS SYNDROME; Peutz-Jeghers polyposis; Periorificial lentiginosis syndrome. Identifiers: Orphanet 2869, MedGen C0031269, MeSH D010580, MONDO:0008280, OMIM 175200.

Submission:

Labcorp Genetics (formerly Invitae), Labcorp
Classification: Uncertain significance for Peutz-Jeghers syndrome. Last evaluated: 2019-05-31. Review status: criteria provided, single submitter. Criteria: Invitae Variant Classification Sherloc (09022015). Collection method: clinical testing. Allele origin: germline.
Comment: This variant has not been reported in the literature in individuals with STK11-related conditions. In summary, the available evidence is currently insufficient to determine the role of this variant in disease. Therefore, it has been classified as a Variant of Uncertain Significance. Nucleotide substitutions within the consensus splice site are a relatively common cause of aberrant splicing (PMID: 17576681, 9536098). Algorithms developed to predict the effect of sequence changes on RNA splicing suggest that this variant is not likely to affect RNA splicing, but this prediction has not been confirmed by published transcriptional studies. The frequency data for this variant in the population databases is considered unreliable, as metrics indicate insufficient coverage at this position in the ExAC database. This sequence change falls in intron 3 of the STK11 gene. It does not directly change the encoded amino acid sequence of the STK11 protein, but it affects a nucleotide within the consensus splice site of the intron.

Literature cited by the submitters: PubMed 17576681; PubMed 9536098.

NM_000455.5(STK11):c.464+3_464+468del

Genes: STK11 (serine/threonine kinase 11; plus strand), LOC110006318 (serine/threonine kinase 11 intron 3 Alu-mediated recombination region; plus strand). Cytogenetic location: 19p13.3.
Variant type: Deletion.
Coding change: c.464+3_464+468del on transcript NM_000455.5 (MANE Select); bases 3 to 468 of the intron after coding-DNA position 464, 466 bases deleted.
Molecular consequence: splice donor variant.
Genome position (GRCh38, 1-based): chr19:1,219,416-1,219,881, 466 bases deleted. GRCh37 (hg19): chr19:1,219,415-1,219,880.
Identifiers: ClinVar variation 934033 (VCV000934033.7), dbSNP rs2080766077, ClinGen allele CA1139666183.